The following is an entry in ClinVar:

ClinVar aggregate classification (germline): Likely pathogenic (1 of 4 stars; one submission).

Conditions:
Autosomal recessive nonsyndromic hearing loss 28. Identifiers: Orphanet 90636, MedGen C1853276, MONDO:0012355, OMIM 609823.

Submission:

Variantyx, Inc.
Classification: Likely pathogenic for Autosomal recessive nonsyndromic hearing loss 28. Last evaluated: 2025-12-23. Review status: criteria provided, single submitter. Criteria: Variantyx Assertion Criteria 2022. Collection method: clinical testing. Allele origin: germline. Inheritance: Autosomal recessive inheritance. Affected: no.
Comment: This is a frameshift variant in the TRIOBP gene (OMIM: 609761). Pathogenic variants in this gene have been associated with autosomal recessive deafness 28. This variant introduces a premature termination codon in exon 7¬†out of 24and is expected to result in loss of function, which is a known disease mechanism for TRIOBP in this disorder (PMID: 16385458) (PVS1). This variant has a 0.0001% maximum allele frequency in non-founder control populations (PM2)., ad it has not been reported in individuals with TRIOBP-related disorders in the databases available for review. Based on the current evidence, this variant is classified as likely pathogenic for autosomal recessive deafness 28.

Literature cited by the submitters: PubMed 16385458.

NM_001039141.3(TRIOBP):c.2375_2379del (p.Arg792fs)

Gene: TRIOBP (TRIO and F-actin binding protein; plus strand). Cytogenetic location: 22q13.1.
Variant type: Deletion.
Coding change: c.2375_2379del on transcript NM_001039141.3 (MANE Select); coding-DNA positions 2375 to 2379, 5 bases deleted (GAACA; older notation c.2375_2379delGAACA).
Protein change: p.Arg792fs; shifts the reading frame from arginine 792.
Molecular consequence: frameshift variant.
Genome position (GRCh38, 1-based): chr22:37,724,931-37,724,935, GAACA deleted; deleting any 5 consecutive bases within chr22:37,724,929-37,724,935 gives the same sequence; the c. name uses the placement nearest the transcript's 3' end. VCF-style (leftmost placement, unchanged base first): chr22-37724928-CCAGAA-C. GRCh37 (hg19) VCF-style: chr22-38120935-CCAGAA-C.
Other names: short protein forms R792fs.
Identifiers: ClinVar variation 4852230 (VCV004852230.1).